The following is an entry in ClinVar:

ClinVar aggregate classification (germline): Likely pathogenic (1 of 4 stars; one submission).

Conditions:
Meckel syndrome, type 1 (MKS1). Also called: MECKEL-GRUBER SYNDROME, TYPE 1. Identifiers: Orphanet 564, MedGen C3714506, MONDO:0009571, OMIM 249000.

Submission:

Natera, Inc.
Classification: Likely pathogenic for Meckel syndrome type 1. Last evaluated: 2025-07-08. Review status: criteria provided, single submitter. Criteria: Natera Variant Classification Schema (03/2026). Collection method: clinical testing. Allele origin: germline.
Comment: The c.1277C>A variant in MKS1 is a nonsense variant predicted to introduce a stop codon at amino acid 426. This variant is expected to result in nonsense mediated decay, truncation, or a dysfunctional protein product. This variant is rare in the general population with a frequency below the threshold expected for the associated phenotype(s). Given the available evidence, this variant is classified as Likely Pathogenic.

NM_017777.4(MKS1):c.1277C>A (p.Ser426Ter)

Gene: MKS1 (MKS transition zone complex subunit 1; minus strand). Cytogenetic location: 17q22.
Variant type: single nucleotide variant.
Coding change: c.1277C>A on transcript NM_017777.4 (MANE Select); coding-DNA position 1277, C replaced by A.
Protein change: p.Ser426Ter; replaces serine 426 with a stop codon.
Molecular consequence: nonsense. On other transcripts: intron variant (1).
Genome position (GRCh38, 1-based): chr17:58,207,215, G>T on the plus strand (C>A on the coding strand, the complement: MKS1 is on the minus strand). VCF-style: chr17-58207215-G-T. GRCh37 (hg19) VCF-style: chr17-56284576-G-T.
Other names: c.668C>A, p.Ser223Ter (NM_001321268.2); c.1277C>A, p.Ser426Ter (NM_001321269.2); c.1273+679C>A (NM_001330397.2); short protein forms S223*, S426*.
Identifiers: ClinVar variation 4815908 (VCV004815908.1).